The following is an entry in ClinVar:

ClinVar aggregate classification (germline): Pathogenic. Review status: criteria provided, multiple submitters, no conflicts (2 of 4 stars). 5 submissions from 5 submitters: Pathogenic (4). 1 of the submissions does not count toward it. Last evaluated 2026-02-25.

Conditions:
Tuberous sclerosis syndrome (TSC). Also called: Tuberous Sclerosis Complex; Tuberous sclerosis. Identifiers: Orphanet 805, MedGen C0041341, MONDO:0001734.
Tuberous sclerosis 1 (TSC1). Identifiers: Orphanet 805, MedGen C1854465, MONDO:0008612, OMIM 191100.

Submissions (5):

GeneDx
Classification: Pathogenic. Last evaluated: 2026-02-25. Review status: criteria provided, single submitter. Criteria: GeneDx Variant Classification Process June 2021. Collection method: clinical testing. Allele origin: germline.
Comment: Canonical splice site variant predicted to result in a null allele in a gene for which loss of function is a known mechanism of disease; Not observed at significant frequency in large population cohorts (gnomAD); This variant is associated with the following publications: (PMID: 33727259, 27859028, 31855466)

Labcorp Genetics (formerly Invitae), Labcorp
Classification: Pathogenic for Tuberous sclerosis 1. Last evaluated: 2025-09-20. Review status: criteria provided, single submitter. Criteria: Invitae Variant Classification Sherloc (09022015). Collection method: clinical testing. Allele origin: germline.
Comment: This sequence change affects a donor splice site in intron 9 of the TSC1 gene. It is expected to disrupt RNA splicing. Variants that disrupt the donor or acceptor splice site typically lead to a loss of protein function (PMID: 16199547), and loss-of-function variants in TSC1 are known to be pathogenic (PMID: 10227394, 17304050). This variant is not present in population databases (gnomAD no frequency). Disruption of this splice site has been observed in individual(s) with clinical features of tuberous sclerosis complex (PMID: 27859028, 31855466). In at least one individual the variant was observed to be de novo. ClinVar contains an entry for this variant (Variation ID: 49124). Algorithms developed to predict the effect of sequence changes on RNA splicing suggest that this variant may disrupt the consensus splice site. For these reasons, this variant has been classified as Pathogenic.

Genomic Medicine Center of Excellence, King Faisal Specialist Hospital and Research Centre
Classification: Pathogenic for Tuberous sclerosis 1. Last evaluated: 2025-09-10. Review status: criteria provided, single submitter. Criteria: ACMG Guidelines, 2015. Collection method: clinical testing. Allele origin: germline.

CeGaT Center for Human Genetics Tuebingen
Classification: Pathogenic. Last evaluated: 2019-06-01. Review status: criteria provided, single submitter. Criteria: CeGaT Center For Human Genetics Tuebingen Variant Classification Criteria Version 2. Collection method: clinical testing. Allele origin: germline. Affected: yes. Observed: 2 variant alleles.

Tuberous sclerosis database (TSC1)
No classification provided. Condition: TSC. Review status: no classification provided. Criteria: Tuberous Sclerosis Database Assertion Criteria 2015. Collection method: curation. Allele origin: germline. Affected: yes. Not counted in ClinVar's aggregate classification.

Literature cited by the submitters: PubMed 16199547 (cited by Labcorp Genetics (formerly Invitae), Labcorp); PubMed 10227394 (cited by Labcorp Genetics (formerly Invitae), Labcorp); PubMed 17304050 (cited by Labcorp Genetics (formerly Invitae), Labcorp); PubMed 27859028 (cited by Labcorp Genetics (formerly Invitae), Labcorp); PubMed 31855466 (cited by Labcorp Genetics (formerly Invitae), Labcorp).

NM_000368.5(TSC1):c.913+1G>A

Gene: TSC1 (TSC complex subunit 1; minus strand). Cytogenetic location: 9q34.13.
Variant type: single nucleotide variant.
Coding change: c.913+1G>A on transcript NM_000368.5 (MANE Select); the canonical splice donor site of the intron after coding-DNA position 913, G replaced by A.
Molecular consequence: splice donor variant.
Genome position (GRCh38, 1-based): chr9:132,912,281, C>T on the plus strand (G>A on the coding strand, the complement: TSC1 is on the minus strand). VCF-style: chr9-132912281-C-T. GRCh37 (hg19) VCF-style: chr9-135787668-C-T.
Other names: c.-39+1G>A (NM_001406628.1, NM_001406626.1, NM_001406627.1); c.913+1G>A (NM_001406604.1, NM_001406608.1, NM_001162426.2 and 16 more transcripts); c.-181+1G>A (NM_001406630.1, NM_001406629.1); c.550+1G>A (NM_001406624.1, NM_001406616.1, NM_001406623.1 and 10 more transcripts); c.760+1G>A (NM_001406613.1, NM_001406612.1, NM_001406610.1 and 2 more transcripts).
Identifiers: ClinVar variation 49124 (VCV000049124.51), dbSNP rs118203470, ClinGen allele CA008382.